The following is an entry in ClinVar:

NM_000038.6(APC):c.1862del (p.Thr621fs)

Gene: APC (APC regulator of WNT signaling pathway; plus strand). Cytogenetic location: 5q22.2.
Variant type: Deletion.
Coding change: c.1862del on transcript NM_000038.6 (MANE Select); coding-DNA position 1862, one base deleted (C; older notation c.1862delC).
Protein change: p.Thr621fs; shifts the reading frame from threonine 621.
Molecular consequence: frameshift variant.
Genome position (GRCh38, 1-based): chr5:112,835,069, C deleted. VCF-style (leftmost placement, unchanged base first): chr5-112835068-AC-A. GRCh37 (hg19) VCF-style: chr5-112170765-AC-A.
Other names: c.1862del, p.Thr621fs (NM_001127510.3, NM_001354895.2); c.1808del, p.Thr603fs (NM_001127511.3); c.1916del, p.Thr639fs (NM_001354896.2); c.1892del, p.Thr631fs (NM_001354897.2); c.1787del, p.Thr596fs (NM_001354898.2); c.1778del, p.Thr593fs (NM_001354899.2); c.1739del, p.Thr580fs (NM_001354900.2); c.1685del, p.Thr562fs (NM_001354901.2); and 5 more; short protein forms T338fs, T562fs, T603fs, T530fs, T639fs, T461fs, T520fs, T596fs.
Identifiers: ClinVar variation 422457 (VCV000422457.2), dbSNP rs1064795792, ClinGen allele CA16618075.

ClinVar aggregate classification (germline): Pathogenic (1 of 4 stars; one submission).

Submission:

GeneDx
Classification: Pathogenic. Last evaluated: 2016-10-13. Review status: criteria provided, single submitter. Criteria: GeneDx Variant Classification (06012015). Collection method: clinical testing. Allele origin: germline. Affected: yes.
Comment: This deletion of one nucleotide in APC is denoted c.1862delC at the cDNA level and p.Thr621IlefsX9 (T621IfsX9) at the protein level. The normal sequence, with the base that is deleted in braces, is CTTA[C]TTAC. The deletion causes a frameshift which changes a Threonine to an Isoleucine at codon 621, and creates a premature stop codon at position 9 of the new reading frame. Although this variant has not, to our knowledge, been reported in the literature, it is predicted to cause loss of normal protein function through either protein truncation or nonsense-mediated mRNA decay. We consider this variant to be pathogenic.